The following is an entry in ClinVar:

NM_000551.4(VHL):c.340+755T>G

Genes: VHL (von Hippel-Lindau tumor suppressor; plus strand), LOC107303340 (3p25 von Hippel-Lindau tumor suppressor, E3 ubiquitin protein ligase Alu-mediated recombination region; plus strand). Cytogenetic location: 3p25.3.
Variant type: single nucleotide variant.
Coding change: c.340+755T>G on transcript NM_000551.4 (MANE Select); 755 bases into the intron after coding-DNA position 340, T replaced by G.
Molecular consequence: intron variant. On other transcripts: missense variant (1), non-coding transcript variant (1).
Genome position (GRCh38, 1-based): chr3:10,142,942, T>G. VCF-style: chr3-10142942-T-G. GRCh37 (hg19) VCF-style: chr3-10184626-T-G.
Other names: c.520T>G, p.Cys174Gly (NM_001354723.2); c.340+755T>G (NM_198156.3); short protein forms C174G.
Identifiers: ClinVar variation 3752043 (VCV003752043.2).

ClinVar aggregate classification (germline): Uncertain significance (1 of 4 stars; one submission).

Conditions:
Chuvash polycythemia. Also called: POLYCYTHEMIA, VHL-DEPENDENT. Identifiers: Orphanet 238557, MedGen C1837915, MONDO:0009892, OMIM 263400.
Von Hippel-Lindau syndrome (VHLS). Also called: VHL syndrome; von Hippel–Lindau syndrome; Von Hippel-Lindau. Identifiers: Orphanet 892, MedGen C0019562, MONDO:0008667, OMIM 193300. Disease mechanism: loss of function.

Submission:

Labcorp Genetics (formerly Invitae), Labcorp
Classification: Uncertain significance for Von Hippel-Lindau syndrome; Chuvash polycythemia. Last evaluated: 2024-08-11. Review status: criteria provided, single submitter. Criteria: Invitae Variant Classification Sherloc (09022015). Collection method: clinical testing. Allele origin: germline.
Comment: This sequence change falls in intron 1 of the VHL gene. It is not expected to change the encoded amino acid sequence of the VHL protein. However, this sequence change falls within a cryptic exon in the VHL gene, known as exon E1’, which is naturally expressed at low levels in several human tissues (PMID: 29891534). This variant is not present in population databases (gnomAD no frequency). This variant has not been reported in the literature in individuals affected with VHL-related conditions. Algorithms developed to predict the effect of sequence changes on RNA splicing suggest that this variant is not likely to affect RNA splicing. In summary, the available evidence is currently insufficient to determine the role of this variant in disease. Therefore, it has been classified as a Variant of Uncertain Significance.

Literature cited by the submitters: PubMed 29891534.